The following is an entry in ClinVar:

NM_001009944.3(PKD1):c.9561C>G (p.Asp3187Glu)

Gene: PKD1 (polycystin 1, transient receptor potential channel interacting; minus strand). Cytogenetic location: 16p13.3.
Variant type: single nucleotide variant.
Coding change: c.9561C>G on transcript NM_001009944.3 (MANE Select); coding-DNA position 9561, C replaced by G.
Protein change: p.Asp3187Glu; replaces aspartic acid 3187 with glutamic acid.
Molecular consequence: missense variant.
Genome position (GRCh38, 1-based): chr16:2,100,403, G>C on the plus strand (C>G on the coding strand, the complement: PKD1 is on the minus strand). VCF-style: chr16-2100403-G-C. GRCh37 (hg19) VCF-style: chr16-2150404-G-C.
Other names: c.9561C>G, p.Asp3187Glu (NM_000296.4); short protein forms D3187E.
Identifiers: ClinVar variation 4682192 (VCV004682192.1).

ClinVar aggregate classification (germline): Uncertain significance (1 of 4 stars; one submission).

Submission:

Athena Diagnostics
Classification: Uncertain significance. Last evaluated: 2025-01-30. Review status: criteria provided, single submitter. Criteria: Athena Diagnostics Criteria. Collection method: clinical testing. Allele origin: unknown.
Comment: Available data are insufficient to determine the clinical significance of the variant at this time. This variant has not been reported in large, multi-ethnic general populations. This variant has been identified in at least one individual with clinical features associated with this gene. Polyphen and MutationTaster predict this amino acid change may be damaging to the protein.

Literature cited by the submitters: PubMed 30989420; PubMed 22383692.